The following is an entry in ClinVar:

NM_001365536.1(SCN9A):c.1687G>A (p.Asp563Asn)

Genes: SCN1A-AS1 (SCN1A and SCN9A antisense RNA 1; plus strand), SCN9A (sodium voltage-gated channel alpha subunit 9; minus strand). Cytogenetic location: 2q24.3.
Variant type: single nucleotide variant.
Coding change: c.1687G>A on transcript NM_001365536.1 (MANE Select); coding-DNA position 1687, G replaced by A.
Protein change: p.Asp563Asn; replaces aspartic acid 563 with asparagine.
Molecular consequence: missense variant.
Genome position (GRCh38, 1-based): chr2:166,284,740, C>T on the plus strand (G>A on the coding strand, the complement: SCN9A is on the minus strand). VCF-style: chr2-166284740-C-T. GRCh37 (hg19) VCF-style: chr2-167141250-C-T.
Other names: c.1687G>A, p.Asp563Asn (NM_002977.4); short protein forms D563N.
Identifiers: ClinVar variation 4885336 (VCV004885336.2).

ClinVar aggregate classification (germline): Uncertain significance (1 of 4 stars; one submission).

gnomAD v4.1: 1 of 1,613,962 alleles (0.000062%); highest among the groups gnomAD compares: Non-Finnish European, 0.000085%; no homozygotes.

Submission:

Dasa
Classification: Uncertain significance. Last evaluated: 2025-11-27. Review status: criteria provided, single submitter. Criteria: DASA Assertion Criteria. Collection method: clinical testing. Allele origin: germline.
Comment: NM_001365536.1(SCN9A):c.1687G>A (p.Asp563Asn) is a missense variant that results in the substitution of aspartic acid with asparagine. This variant is rare in population databases. Computational prediction algorithms are consistent with a deleterious effect. The currently available literature and clinical evidence are not sufficient to establish a definitive association between this variant and the reported condition. Therefore, this variant is classified as a variant of uncertain significance.